The following is an entry in ClinVar:

ClinVar aggregate classification (germline): Uncertain significance (1 of 4 stars; one submission).

Allele frequency attached by ClinVar (database versions not stated): ExAC 0.00001; ESP Exome Variant Server 0.00008; gnomAD exomes below 0.00001; TOPMed below 0.00001.
gnomAD v4.1: 5 of 1,613,586 alleles (0.00031%); highest among the groups gnomAD compares: South Asian, 0.0011%; no homozygotes.

Submission:

Labcorp Genetics (formerly Invitae), Labcorp
Classification: Uncertain significance. Last evaluated: 2022-07-28. Review status: criteria provided, single submitter. Criteria: Invitae Variant Classification Sherloc (09022015). Collection method: clinical testing. Allele origin: germline.
Comment: In summary, the available evidence is currently insufficient to determine the role of this variant in disease. Therefore, it has been classified as a Variant of Uncertain Significance. Algorithms developed to predict the effect of missense changes on protein structure and function (SIFT, PolyPhen-2, Align-GVGD) all suggest that this variant is likely to be disruptive. This variant has not been reported in the literature in individuals affected with SMARCD2-related conditions. This variant is present in population databases (rs369920338, gnomAD 0.003%). This sequence change replaces arginine, which is basic and polar, with glutamine, which is neutral and polar, at codon 233 of the SMARCD2 protein (p.Arg233Gln).

NM_001098426.2(SMARCD2):c.698G>A (p.Arg233Gln)

Gene: SMARCD2 (SWI/SNF related BAF chromatin remodeling complex subunit D2; minus strand). Cytogenetic location: 17q23.3.
Variant type: single nucleotide variant.
Coding change: c.698G>A on transcript NM_001098426.2 (MANE Select); coding-DNA position 698, G replaced by A.
Protein change: p.Arg233Gln; replaces arginine 233 with glutamine.
Molecular consequence: missense variant.
Genome position (GRCh38, 1-based): chr17:63,835,437, C>T on the plus strand (G>A on the coding strand, the complement: SMARCD2 is on the minus strand). VCF-style: chr17-63835437-C-T. GRCh37 (hg19) VCF-style: chr17-61912797-C-T.
Other names: c.473G>A, p.Arg158Gln (NM_001330439.1); c.554G>A, p.Arg185Gln (NM_001330440.2); short protein forms R158Q, R233Q, R185Q.
Identifiers: ClinVar variation 1907353 (VCV001907353.5), dbSNP rs369920338, ClinGen allele CA8706418.